The following is an entry in ClinVar:

ClinVar aggregate classification (germline): Pathogenic (1 of 4 stars; one submission).

Conditions:
Early-infantile DEE. Also called: Early infantile epileptic encephalopathy with suppression bursts; Early infantile epileptic encephalopathy; Ohtahara syndrome. Identifiers: Orphanet 1934, MedGen C0393706, MONDO:0800491.

Submission:

Labcorp Genetics (formerly Invitae), Labcorp
Classification: Pathogenic for Early-infantile DEE. Last evaluated: 2025-10-20. Review status: criteria provided, single submitter. Criteria: Invitae Variant Classification Sherloc (09022015). Collection method: clinical testing. Allele origin: germline.
Comment: This sequence change replaces aspartic acid, which is acidic and polar, with glycine, which is neutral and non-polar, at codon 1497 of the SCN1A protein (p.Asp1497Gly). This variant is not present in population databases (gnomAD no frequency). This missense change has been observed in individual(s) with severe myoclonic epilepsy of infancy (PMID: 22028529). ClinVar contains an entry for this variant (Variation ID: 2744756). Invitae Evidence Modeling of protein sequence and biophysical properties (such as structural, functional, and spatial information, amino acid conservation, physicochemical variation, residue mobility, and thermodynamic stability) indicates that this missense variant is expected to disrupt SCN1A protein function with a positive predictive value of 95%. This variant disrupts the p.Asp1497 amino acid residue in SCN1A. Other variant(s) that disrupt this residue have been determined to be pathogenic (PMID: 35586607). This suggests that this residue is clinically significant, and that variants that disrupt this residue are likely to be disease-causing. For these reasons, this variant has been classified as Pathogenic.

Literature cited by the submitters: PubMed 22028529; PubMed 35586607.

NM_001165963.4(SCN1A):c.4490A>G (p.Asp1497Gly)

Genes: SCN1A (sodium voltage-gated channel alpha subunit 1; minus strand), LOC102724058 (uncharacterized LOC102724058; plus strand). Cytogenetic location: 2q24.3.
Variant type: single nucleotide variant.
Coding change: c.4490A>G on transcript NM_001165963.4 (MANE Select); coding-DNA position 4490, A replaced by G.
Protein change: p.Asp1497Gly; replaces aspartic acid 1497 with glycine.
Molecular consequence: missense variant. On other transcripts: non-coding transcript variant (1).
Genome position (GRCh38, 1-based): chr2:165,996,104, T>C on the plus strand (A>G on the coding strand, the complement: SCN1A is on the minus strand). VCF-style: chr2-165996104-T-C. GRCh37 (hg19) VCF-style: chr2-166852614-T-C.
Other names: c.4490A>G, p.Asp1497Gly (NM_001202435.3, NM_001353948.2); c.4457A>G, p.Asp1486Gly (NM_001353949.2, NM_001353950.2, NM_001353951.2 and 2 more transcripts); c.4454A>G, p.Asp1485Gly (NM_001353954.2, NM_001353955.2); c.4406A>G, p.Asp1469Gly (NM_001353957.2, NM_001353958.2, NM_001165964.3); c.4403A>G, p.Asp1468Gly (NM_001353960.2); c.2048A>G, p.Asp683Gly (NM_001353961.2); short protein forms D1485G, D1486G, D1497G, D683G, D1468G, D1469G.
Identifiers: ClinVar variation 2744756 (VCV002744756.3), dbSNP rs2468377562, ClinGen allele CA349048871.
Genomic context (GRCh38, chr2:165,996,104, plus strand): 5'-TTCGATCCTAATTTTTTCATTGCATTATAGTATTTCTTCTGTTCTTCTGTCATAAAGATG[T>C]CTTGACCTCCAAAGTATAGAAAAGAAAAATCAAACTGGTTAAAACTGTGTCCTTTTGTAC-3'
Protein context (NP_001159435.1, residues 1487-1507): NQQKKKFGGQ[Asp1497Gly]IFMTEEQKKY